The following is an entry in ClinVar:

ClinVar aggregate classification (germline): Uncertain significance. Review status: criteria provided, multiple submitters, no conflicts (2 of 4 stars). 2 submissions from 2 submitters: Uncertain significance (2). Last evaluated 2026-07-15.

Conditions:
BMP4-related disorder. Also called: BMP4-related condition.
Orofacial cleft 11 (OFC11). Also called: CLEFT LIP WITH OR WITHOUT CLEFT PALATE, NONSYNDROMIC, 11; Orofacial cleft 11; ofc11. Identifiers: MedGen C2677434, MONDO:0010906, OMIM 600625.
Microphthalmia with brain and digit anomalies (MCOPS6). Also called: Microphthalmia, syndromic 6; MICROPHTHALMIA AND PITUITARY ANOMALIES. Identifiers: Orphanet 139471, MedGen C1864689, MONDO:0011936, OMIM 607932.

Allele frequency attached by ClinVar (database versions not stated): ExAC 0.00003.
gnomAD v4.1: 45 of 1,614,106 alleles (0.0028%); highest among the groups gnomAD compares: Non-Finnish European, 0.0036%; no homozygotes.

Submissions (2):

PreventionGenetics, part of Exact Sciences
Classification: Uncertain significance for BMP4-related condition. Last evaluated: 2026-07-15. Review status: criteria provided, single submitter. Criteria: ACMG Guidelines, 2015. Collection method: clinical testing. Allele origin: germline.
Comment: The BMP4 c.1076C>T variant is predicted to result in the amino acid substitution p.Thr359Ile. This variant has been reported in an individual with Kallmann syndrome (Table S2, Rodríguez-Contreras et al. 2019. PubMed ID: 31120642). This variant is reported in 0.0054% of alleles in individuals of European (Non-Finnish) descent in gnomAD. At this time, the clinical significance of this variant is uncertain due to the absence of conclusive functional and genetic evidence.

Labcorp Genetics (formerly Invitae), Labcorp
Classification: Uncertain significance for Microphthalmia with brain and digit anomalies; Orofacial cleft 11. Last evaluated: 2023-08-04. Review status: criteria provided, single submitter. Criteria: Invitae Variant Classification Sherloc (09022015). Collection method: clinical testing. Allele origin: germline.
Comment: This sequence change replaces threonine, which is neutral and polar, with isoleucine, which is neutral and non-polar, at codon 359 of the BMP4 protein (p.Thr359Ile). This variant is present in population databases (rs760397289, gnomAD 0.006%). This variant has not been reported in the literature in individuals affected with BMP4-related conditions. ClinVar contains an entry for this variant (Variation ID: 2142241). Advanced modeling of protein sequence and biophysical properties (such as structural, functional, and spatial information, amino acid conservation, physicochemical variation, residue mobility, and thermodynamic stability) performed at Invitae indicates that this missense variant is expected to disrupt BMP4 protein function. In summary, the available evidence is currently insufficient to determine the role of this variant in disease. Therefore, it has been classified as a Variant of Uncertain Significance.

NM_001202.6(BMP4):c.1076C>T (p.Thr359Ile)

Gene: BMP4 (bone morphogenetic protein 4; minus strand). Cytogenetic location: 14q22.2.
Variant type: single nucleotide variant.
Coding change: c.1076C>T on transcript NM_001202.6 (MANE Select); coding-DNA position 1076, C replaced by T.
Protein change: p.Thr359Ile; replaces threonine 359 with isoleucine.
Molecular consequence: missense variant.
Genome position (GRCh38, 1-based): chr14:53,950,183, G>A on the plus strand (C>T on the coding strand, the complement: BMP4 is on the minus strand). VCF-style: chr14-53950183-G-A. GRCh37 (hg19) VCF-style: chr14-54416901-G-A.
Other names: c.1217C>T, p.Thr406Ile (NM_001347912.1); c.887C>T, p.Thr296Ile (NM_001347913.2, NM_001347915.2, NM_001347917.1); c.1076C>T, p.Thr359Ile (NM_001347914.2, NM_001347916.1, NM_130850.5 and 1 more transcripts); c.1076C>T (NM_001202.5); short protein forms T406I, T296I, T359I.
Identifiers: ClinVar variation 2142241 (VCV002142241.5), dbSNP rs760397289, ClinGen allele CA7191631.
Genomic context (GRCh38, chr14:53,950,183, plus strand): 5'-CTCAGTTCAGTGGGCACACAACAGGCTTTGGGGATACTGGAATTGACAGAATTGACCAGG[G>A]TCTGCACAATGGCATGGTTGGTTGAGTTGAGGTGGTCAGCCAGTGGAAAGGGGCAGTCCC-3'
Protein context (NP_001193.2, residues 349-369): LNSTNHAIVQ[Thr359Ile]LVNSVNSSIP